The following is an entry in ClinVar:

ClinVar aggregate classification (germline): Likely benign. Review status: criteria provided, single submitter (1 of 4 stars). 2 submissions from 2 submitters: Likely benign (1). 1 of the submissions does not count toward it. Last evaluated 2025-09-19.

Conditions:
MKS1-related disorder. Also called: MKS1-related condition; MKS1-related disorders. Identifiers: MedGen CN239382.
Joubert syndrome. Also called: Familial aplasia of the vermis; JOUBERT-BOLTSHAUSER SYNDROME. Identifiers: Orphanet 475, MedGen C5979921, MONDO:0018772.
Meckel-Gruber syndrome. Also called: DYSENCEPHALIA SPLANCHNOCYSTICA; GRUBER SYNDROME; Dysencephalia splachnocystica. Identifiers: Orphanet 564, MedGen C0265215, MONDO:0018921.

Allele frequency attached by ClinVar (database versions not stated): ESP Exome Variant Server 0.00008.
gnomAD v4.1: 19 of 1,613,926 alleles (0.0012%); highest among the groups gnomAD compares: Non-Finnish European, 0.0015%; no homozygotes.

Submissions (2):

Labcorp Genetics (formerly Invitae), Labcorp
Classification: Likely benign for Joubert syndrome; Meckel-Gruber syndrome. Last evaluated: 2025-09-19. Review status: criteria provided, single submitter. Criteria: Invitae Variant Classification Sherloc (09022015). Collection method: clinical testing. Allele origin: germline.

PreventionGenetics, part of Exact Sciences
Classification: Likely benign for MKS1-related condition. Last evaluated: 2022-04-06. Review status: no assertion criteria provided. Collection method: clinical testing. Allele origin: germline. Not counted in ClinVar's aggregate classification.
Comment: This variant is classified as likely benign based on ACMG/AMP sequence variant interpretation guidelines (Richards et al. 2015 PMID: 25741868, with internal and published modifications).

NM_017777.4(MKS1):c.1274-4G>T

Gene: MKS1 (MKS transition zone complex subunit 1; minus strand). Cytogenetic location: 17q22.
Variant type: single nucleotide variant.
Coding change: c.1274-4G>T on transcript NM_017777.4 (MANE Select); 4 bases into the intron before coding-DNA position 1274, G replaced by T.
Molecular consequence: intron variant.
Genome position (GRCh38, 1-based): chr17:58,207,222, C>A on the plus strand (G>T on the coding strand, the complement: MKS1 is on the minus strand). VCF-style: chr17-58207222-C-A. GRCh37 (hg19) VCF-style: chr17-56284583-C-A.
Other names: c.665-4G>T (NM_001321268.2); c.1273+672G>T (NM_001330397.2); c.1274-4G>T (NM_001321269.2).
Identifiers: ClinVar variation 698621 (VCV000698621.12), dbSNP rs377033778, ClinGen allele CA292008268.